The following is an entry in ClinVar:

NC_012920.1(MT-ND5):m.13879T>C

Gene: MT-ND5 (mitochondrially encoded NADH dehydrogenase 5; plus strand).
Variant type: single nucleotide variant.
Genome position: chrM-13879-T-C.
Identifiers: ClinVar variation 693623 (VCV000693623.2), dbSNP rs879087566, ClinGen allele CA337099835.

ClinVar aggregate classification (germline): Benign/Likely benign. Review status: criteria provided, multiple submitters, no conflicts (2 of 4 stars). 2 submissions from 2 submitters: Benign (1); Likely benign (1). Last evaluated 2025-02-16.

Conditions:
Leigh syndrome (NULS). Also called: Leigh's necrotizing encephalopathy; Leigh's disease; Leigh's syndrome; LEIGH SYNDROME, NUCLEAR; Leigh Syndrome (mtDNA deletion); Leigh Disease. Identifiers: Orphanet 506, MedGen C2931891, MONDO:0009723, OMIM 256000.

Submissions (2):

Laboratory of Genetics, Children's Clinical University Hospital Latvia
Classification: Likely benign. Last evaluated: 2025-02-16. Review status: criteria provided, single submitter. Criteria: ACMG Guidelines, 2015. Collection method: clinical testing. Allele origin: germline. Affected: yes.

Wong Mito Lab, Molecular and Human Genetics, Baylor College of Medicine
Classification: Benign for Leigh syndrome. Last evaluated: 2019-10-17. Review status: criteria provided, single submitter. Criteria: Modified ACMG Guidelines (Unpublished). Collection method: clinical testing. Allele origin: germline.
Comment: The NC_012920.1:m.13879T>C (YP_003024036.1:p.Ser515Pro) variant in MTND5 gene is interpretated to be a Benign variant based on the modified ACMG guidelines (unpublished). This variant meets the following evidence codes: BA1